The following is an entry in ClinVar:

ClinVar aggregate classification (germline): Conflicting classifications of pathogenicity. Review status: criteria provided, conflicting classifications (1 of 4 stars). 5 submissions from 5 submitters: Uncertain significance (1); Likely benign (3). 1 of the submissions does not count toward it. Last evaluated 2025-08-20.

Conditions:
MYH9-related disorder. Identifiers: MedGen C1854520.

Allele frequency attached by ClinVar (database versions not stated): ExAC 0.00001; gnomAD 0.00001; gnomAD exomes 0.00001; TOPMed 0.00002.
gnomAD v4.1: 23 of 1,612,294 alleles (0.0014%); highest among the groups gnomAD compares: Non-Finnish European, 0.0018%; no homozygotes.

Submissions (5):

Labcorp Genetics (formerly Invitae), Labcorp
Classification: Likely benign. Last evaluated: 2025-08-20. Review status: criteria provided, single submitter. Criteria: Invitae Variant Classification Sherloc (09022015). Collection method: clinical testing. Allele origin: germline.

Blueprint Genetics
Classification: Likely benign. Last evaluated: 2024-11-08. Review status: criteria provided, single submitter. Criteria: ACMG Guidelines, 2015. Collection method: clinical testing. Allele origin: germline.

GeneDx
Classification: Uncertain significance. Last evaluated: 2024-10-09. Review status: criteria provided, single submitter. Criteria: GeneDx Variant Classification Process June 2021. Collection method: clinical testing. Allele origin: germline. Affected: yes.
Comment: In silico analysis indicates that this variant does not alter splicing; Has not been previously published as pathogenic or benign to our knowledge

Laboratory for Molecular Medicine, Mass General Brigham Personalized Medicine
Classification: Likely benign. Last evaluated: 2016-03-01. Review status: criteria provided, single submitter. Criteria: LMM Criteria. Collection method: clinical testing. Allele origin: germline. Observed: 1 variant allele.
Comment: p.Arg1830Arg in exon 39 of MYH9: This variant is not expected to have clinical s ignificance because it does not alter an amino acid residue and is not located w ithin the splice consensus sequence. It has been identified in 1/66494 of Europe an chromosomes by the Exome Aggregation Consortium (ExAC; dbSNP rs754771834).

PreventionGenetics, part of Exact Sciences
Classification: Likely benign for MYH9-related condition. Last evaluated: 2020-12-22. Review status: no assertion criteria provided. Collection method: clinical testing. Allele origin: germline. Not counted in ClinVar's aggregate classification.
Comment: This variant is classified as likely benign based on ACMG/AMP sequence variant interpretation guidelines (Richards et al. 2015 PMID: 25741868, with internal and published modifications).

NM_002473.6(MYH9):c.5490C>T (p.Arg1830=)

Gene: MYH9 (myosin heavy chain 9; minus strand). Cytogenetic location: 22q12.3.
Variant type: single nucleotide variant.
Coding change: c.5490C>T on transcript NM_002473.6 (MANE Select); coding-DNA position 5490, C replaced by T.
Protein change: p.Arg1830=; no amino-acid change (arginine 1830 retained).
Molecular consequence: synonymous variant.
Genome position (GRCh38, 1-based): chr22:36,284,505, G>A on the plus strand (C>T on the coding strand, the complement: MYH9 is on the minus strand). VCF-style: chr22-36284505-G-A. GRCh37 (hg19) VCF-style: chr22-36680551-G-A.
Other names: c.5490C>T (NM_002473.5).
Identifiers: ClinVar variation 227615 (VCV000227615.10), dbSNP rs754771834, ClinGen allele CA10209020.